The following is an entry in ClinVar:

NM_001105206.3(LAMA4):c.2283C>G (p.Asn761Lys)

Gene: LAMA4 (laminin subunit alpha 4; minus strand). Cytogenetic location: 6q21.
Variant type: single nucleotide variant.
Coding change: c.2283C>G on transcript NM_001105206.3 (MANE Select); coding-DNA position 2283, C replaced by G.
Protein change: p.Asn761Lys; replaces asparagine 761 with lysine.
Molecular consequence: missense variant.
Genome position (GRCh38, 1-based): chr6:112,148,227, G>C on the plus strand (C>G on the coding strand, the complement: LAMA4 is on the minus strand). VCF-style: chr6-112148227-G-C. GRCh37 (hg19) VCF-style: chr6-112469429-G-C.
Other names: c.2262C>G, p.Asn754Lys (NM_001105207.3, NM_002290.5); short protein forms N754K, N761K.
Identifiers: ClinVar variation 1311017 (VCV001311017.5), dbSNP rs1554334972, ClinGen allele CA365383554.

ClinVar aggregate classification (germline): Uncertain significance. Review status: criteria provided, multiple submitters, no conflicts (2 of 4 stars). 3 submissions from 3 submitters: Uncertain significance (3). Last evaluated 2025-06-12.

Conditions:
Cardiovascular phenotype. Identifiers: MedGen CN230736.

Allele frequency attached by ClinVar (database versions not stated): gnomAD exomes below 0.00001; gnomAD 0.00001.
gnomAD v4.1: 2 of 1,614,104 alleles (0.00012%); highest among the groups gnomAD compares: African/African-American, 0.0027%; no homozygotes.

Submissions (3):

Women's Health and Genetics/Laboratory Corporation of America, LabCorp
Classification: Uncertain significance. Last evaluated: 2025-06-12. Review status: criteria provided, single submitter. Criteria: LabCorp Variant Classification Summary - May 2015. Collection method: clinical testing. Allele origin: germline.

Ambry Genetics
Classification: Uncertain significance for Cardiovascular phenotype. Last evaluated: 2022-09-19. Review status: criteria provided, single submitter. Criteria: Ambry Variant Classification Scheme 2023. Collection method: clinical testing. Allele origin: germline.

GeneDx
Classification: Uncertain significance. Last evaluated: 2019-12-09. Review status: criteria provided, single submitter. Criteria: GeneDx Variant Classification Process June 2021. Collection method: clinical testing. Allele origin: germline. Affected: yes.
Comment: Has not been previously published as pathogenic or benign to our knowledge; Not observed at a significant frequency in large population cohorts (Lek et al., 2016); In silico analysis, which includes protein predictors and evolutionary conservation, supports that this variant does not alter protein structure/function